The following is an entry in ClinVar:

NM_013447.4(ADGRE2):c.340G>A (p.Glu114Lys)

Gene: ADGRE2 (adhesion G protein-coupled receptor E2; minus strand). Cytogenetic location: 19p13.12.
Variant type: single nucleotide variant.
Coding change: c.340G>A on transcript NM_013447.4 (MANE Select); coding-DNA position 340, G replaced by A.
Protein change: p.Glu114Lys; replaces glutamic acid 114 with lysine.
Molecular consequence: missense variant.
Genome position (GRCh38, 1-based): chr19:14,772,357, C>T on the plus strand (G>A on the coding strand, the complement: ADGRE2 is on the minus strand). VCF-style: chr19-14772357-C-T. GRCh37 (hg19) VCF-style: chr19-14883169-C-T.
Other names: c.340G>A, p.Glu114Lys (NM_001271052.1, NM_152916.2, NM_152917.2); short protein forms E114K.
Identifiers: ClinVar variation 1944968 (VCV001944968.5), dbSNP rs202025706, ClinGen allele CA9258219.

ClinVar aggregate classification (germline): Uncertain significance (1 of 4 stars; one submission).

Allele frequency attached by ClinVar (database versions not stated): ExAC 0.00002; gnomAD 0.00002; TOPMed 0.00002; 1000 Genomes Project 30x 0.00031; 1000 Genomes Project 0.00040.
gnomAD v4.1: 15 of 1,614,066 alleles (0.00093%); highest among the groups gnomAD compares: African/African-American, 0.004%; no homozygotes.

Submission:

Labcorp Genetics (formerly Invitae), Labcorp
Classification: Uncertain significance. Last evaluated: 2025-04-01. Review status: criteria provided, single submitter. Criteria: Invitae Variant Classification Sherloc (09022015). Collection method: clinical testing. Allele origin: germline.
Comment: This sequence change replaces glutamic acid, which is acidic and polar, with lysine, which is basic and polar, at codon 114 of the ADGRE2 protein (p.Glu114Lys). This variant is present in population databases (rs202025706, gnomAD 0.01%). This variant has not been reported in the literature in individuals affected with ADGRE2-related conditions. ClinVar contains an entry for this variant (Variation ID: 1944968). An algorithm developed to predict the effect of missense changes on protein structure and function outputs the following: PolyPhen-2: "Probably Damaging". The lysine amino acid residue is found in multiple mammalian species, which suggests that this missense change does not adversely affect protein function. In summary, the available evidence is currently insufficient to determine the role of this variant in disease. Therefore, it has been classified as a Variant of Uncertain Significance.